The following is an entry in ClinVar:

ClinVar aggregate classification (germline): Uncertain significance (1 of 4 stars; one submission).

Submission:

GeneDx
Classification: Uncertain significance. Last evaluated: 2022-12-06. Review status: criteria provided, single submitter. Criteria: GeneDx Variant Classification Process June 2021. Collection method: clinical testing. Allele origin: germline. Affected: yes.
Comment: Not observed at significant frequency in large population cohorts (gnomAD); In silico analysis supports that this missense variant does not alter protein structure/function; Has not been previously published as pathogenic or benign to our knowledge

NM_006231.4(POLE):c.5261T>A (p.Met1754Lys)

Gene: POLE (DNA polymerase epsilon, catalytic subunit; minus strand). Cytogenetic location: 12q24.33.
Variant type: single nucleotide variant.
Coding change: c.5261T>A on transcript NM_006231.4 (MANE Select); coding-DNA position 5261, T replaced by A.
Protein change: p.Met1754Lys; replaces methionine 1754 with lysine.
Molecular consequence: missense variant.
Genome position (GRCh38, 1-based): chr12:132,641,764, A>T on the plus strand (T>A on the coding strand, the complement: POLE is on the minus strand). VCF-style: chr12-132641764-A-T. GRCh37 (hg19) VCF-style: chr12-133218350-A-T.
Other names: short protein forms M1754K.
Identifiers: ClinVar variation 2505029 (VCV002505029.1), dbSNP rs2541881081, ClinGen allele CA387376275.